The following is an entry in ClinVar:

NM_007357.3(COG2):c.2159C>T (p.Ser720Leu)

Gene: COG2 (component of oligomeric golgi complex 2; plus strand). Cytogenetic location: 1q42.2.
Variant type: single nucleotide variant.
Coding change: c.2159C>T on transcript NM_007357.3 (MANE Select); coding-DNA position 2159, C replaced by T.
Protein change: p.Ser720Leu; replaces serine 720 with leucine.
Molecular consequence: missense variant.
Genome position (GRCh38, 1-based): chr1:230,693,335, C>T. VCF-style: chr1-230693335-C-T. GRCh37 (hg19) VCF-style: chr1-230829081-C-T.
Other names: c.2156C>T, p.Ser719Leu (NM_001145036.2); short protein forms S719L, S720L.
Identifiers: ClinVar variation 2079472 (VCV002079472.4), dbSNP rs2527679316, ClinGen allele CA345200863.

ClinVar aggregate classification (germline): Uncertain significance (1 of 4 stars; one submission).

Conditions:
Congenital disorder of glycosylation, type IIq. Also called: CDG IIq. Identifiers: Orphanet 435934, MedGen C4479353, MONDO:0054559, OMIM 617395.

Submission:

Labcorp Genetics (formerly Invitae), Labcorp
Classification: Uncertain significance for Congenital disorder of glycosylation, type IIq. Last evaluated: 2025-06-16. Review status: criteria provided, single submitter. Criteria: Invitae Variant Classification Sherloc (09022015). Collection method: clinical testing. Allele origin: germline.
Comment: This sequence change replaces serine, which is neutral and polar, with leucine, which is neutral and non-polar, at codon 720 of the COG2 protein (p.Ser720Leu). This variant is not present in population databases (gnomAD no frequency). This variant has not been reported in the literature in individuals affected with COG2-related conditions. ClinVar contains an entry for this variant (Variation ID: 2079472). Invitae Evidence Modeling of protein sequence and biophysical properties (such as structural, functional, and spatial information, amino acid conservation, physicochemical variation, residue mobility, and thermodynamic stability) indicates that this missense variant is not expected to disrupt COG2 protein function with a negative predictive value of 80%. Algorithms developed to predict the effect of sequence changes on RNA splicing suggest that this variant may disrupt the consensus splice site. In summary, the available evidence is currently insufficient to determine the role of this variant in disease. Therefore, it has been classified as a Variant of Uncertain Significance.